The following is an entry in ClinVar:

ClinVar aggregate classification (germline): Uncertain significance. Review status: criteria provided, multiple submitters, no conflicts (2 of 4 stars). 4 submissions from 4 submitters: Uncertain significance (4). Last evaluated 2025-12-09.

Conditions:
Inborn genetic diseases. Identifiers: MedGen C0950123, MeSH D030342.
3MC syndrome 1. Also called: OCULOPALATOSKELETAL SYNDROME; MICHELS SYNDROME; CRANIOSYNOSTOSIS WITH LID ANOMALIES. Identifiers: Orphanet 293843, MedGen C0796059, MONDO:0009770, OMIM 257920.

Allele frequency attached by ClinVar (database versions not stated): gnomAD 0.00042 and 0.00043; ExAC 0.00036; ESP Exome Variant Server 0.00008; gnomAD exomes 0.00028; TOPMed 0.00039.
gnomAD v4.1: 472 of 1,614,262 alleles (0.029%); highest among the groups gnomAD compares: Admixed American, 0.047%; 2 homozygotes.

Submissions (4):

Labcorp Genetics (formerly Invitae), Labcorp
Classification: Uncertain significance for 3MC syndrome 1. Last evaluated: 2025-12-09. Review status: criteria provided, single submitter. Criteria: Invitae Variant Classification Sherloc (09022015). Collection method: clinical testing. Allele origin: germline.
Comment: This sequence change replaces threonine, which is neutral and polar, with methionine, which is neutral and non-polar, at codon 507 of the MASP1 protein (p.Thr507Met). This variant is present in population databases (rs200778904, gnomAD 0.06%). This variant has not been reported in the literature in individuals affected with MASP1-related conditions. ClinVar contains an entry for this variant (Variation ID: 288148). An algorithm developed to predict the effect of missense changes on protein structure and function (PolyPhen-2) suggests that this variant is likely to be tolerated. In summary, the available evidence is currently insufficient to determine the role of this variant in disease. Therefore, it has been classified as a Variant of Uncertain Significance.

Ambry Genetics
Classification: Uncertain significance for Inborn genetic diseases. Last evaluated: 2024-08-12. Review status: criteria provided, single submitter. Criteria: Ambry Variant Classification Scheme 2023. Collection method: clinical testing. Allele origin: germline.

Eurofins Ntd Llc (ga)
Classification: Uncertain significance. Last evaluated: 2016-06-11. Review status: criteria provided, single submitter. Criteria: EGL Classification Definitions 2015. Collection method: clinical testing. Allele origin: germline. Observed: 1 variant allele, 1 heterozygote.

ARUP Laboratories, Molecular Genetics and Genomics, ARUP Laboratories
Classification: Uncertain significance for 3MC syndrome 1. Review status: criteria provided, single submitter. Criteria: ARUP Molecular Germline Variant Investigation Process 2024. Collection method: clinical testing. Allele origin: germline.

NM_139125.4(MASP1):c.1520C>T (p.Thr507Met)

Gene: MASP1 (MBL associated serine protease 1; minus strand). Cytogenetic location: 3q27.3.
Variant type: single nucleotide variant.
Coding change: c.1520C>T on transcript NM_139125.4 (MANE Select); coding-DNA position 1520, C replaced by T.
Protein change: p.Thr507Met; replaces threonine 507 with methionine.
Molecular consequence: missense variant. On other transcripts: non-coding transcript variant (1), intron variant (1).
Genome position (GRCh38, 1-based): chr3:187,236,351, G>A on the plus strand (C>T on the coding strand, the complement: MASP1 is on the minus strand). VCF-style: chr3-187236351-G-A. GRCh37 (hg19) VCF-style: chr3-186954139-G-A.
Other names: c.1520C>T (NM_139125.3); c.1303+5130C>T (NM_001879.6); short protein forms T507M.
Identifiers: ClinVar variation 288148 (VCV000288148.12), dbSNP rs200778904, ClinGen allele CA2749242.